The following is an entry in ClinVar:

NM_001123385.2(BCOR):c.1288C>T (p.Gln430Ter)

Genes: BCOR (BCL6 corepressor; minus strand), LOC126863239 (MED14-independent group 3 enhancer GRCh37_chrX:39932994-39934193; plus strand). Cytogenetic location: Xp11.4.
Variant type: single nucleotide variant.
Coding change: c.1288C>T on transcript NM_001123385.2 (MANE Select); coding-DNA position 1288, C replaced by T.
Protein change: p.Gln430Ter; replaces glutamine 430 with a stop codon.
Molecular consequence: nonsense.
Genome position (GRCh38, 1-based): chrX:40,074,058, G>A on the plus strand (C>T on the coding strand, the complement: BCOR is on the minus strand). VCF-style: chrX-40074058-G-A. GRCh37 (hg19) VCF-style: chrX-39933311-G-A.
Other names: c.1288C>T, p.Gln430Ter (NM_001123383.2, NM_001123384.2, NM_001437510.1 and 4 more transcripts); short protein forms Q430*.
Identifiers: ClinVar variation 4819951 (VCV004819951.1).
Genomic context (GRCh38, chrX:40,074,058, plus strand): 5'-CATCCACCACTTTAGAAGACAAGTCTAGTGGCTTATCTGTGACGTCTTTGGTAACGGTCT[G>A]CTTCTCCAACAGAGGAGGTGAGCTGCCATCTTTTCTGTCTTGAACCGCTGTCTTCCGGGC-3'

ClinVar aggregate classification (germline): Pathogenic (1 of 4 stars; one submission).

Conditions:
Oculofaciocardiodental syndrome (MCOPS2). Identifiers: Orphanet 2712, MedGen C1846265, MONDO:0010261, OMIM 300166.

Submission:

Molecular Medicine, University of Pavia
Classification: Pathogenic for Oculofaciocardiodental syndrome. Last evaluated: 2026-04-01. Review status: criteria provided, single submitter. Criteria: ACMG Guidelines, 2015. Collection method: research. Allele origin: de novo. Affected: yes. Observed: 1 variant allele.
Comment: The NM_001123385.2:c.1288C>T, is a stopgain variant in BCOR that substitutes the Glutammine 430 into a stop codon. This variant is absent from GnomAD 4.1.0 database and it has not been previously reported neither in ClinVar nor in literature. In summary, this variant meets criteria to be classified as pathogenic based on the ACMG/AMP criteria applied: PVS1, PM6; PM2_supp